The following is an entry in ClinVar:

NM_001267550.2(TTN):c.81723T>A (p.Tyr27241Ter)

Genes: TTN (titin; minus strand), TTN-AS1 (TTN antisense RNA 1; plus strand). Cytogenetic location: 2q31.2.
Variant type: single nucleotide variant.
Coding change: c.81723T>A on transcript NM_001267550.2 (MANE Select); coding-DNA position 81723, T replaced by A.
Protein change: p.Tyr27241Ter; replaces tyrosine 27241 with a stop codon.
Molecular consequence: nonsense.
Genome position (GRCh38, 1-based): chr2:178,564,409, A>T on the plus strand (T>A on the coding strand, the complement: TTN is on the minus strand). VCF-style: chr2-178564409-A-T. GRCh37 (hg19) VCF-style: chr2-179429136-A-T.
Other names: NM_001267550.2(TTN):c.81723T>A; p.Tyr27241Ter; c.76800T>A, p.Tyr25600Ter (NM_001256850.1); c.54528T>A, p.Tyr18176Ter (NM_003319.4); c.74019T>A, p.Tyr24673Ter (NM_133378.4); c.54903T>A, p.Tyr18301Ter (NM_133432.3); c.55104T>A, p.Tyr18368Ter (NM_133437.4); short protein forms Y27241*, Y18368*, Y24673*, Y18176*, Y18301*, Y25600*.
Identifiers: ClinVar variation 577790 (VCV000577790.9), dbSNP rs769821404, ClinGen allele CA349578454.
Genomic context (GRCh38, chr2:178,564,409, plus strand): 5'-ACTACTATCAGATGGTTCACTAAAGTTTCCAGCTGCATTTCTTGCAATTACTCTAAATTC[A>T]TATCTTTGGTCTTCTACAAGTCCACTCACTGTAAATTCAGTTTCTAATACGTTGGTAAAG-3'

ClinVar aggregate classification (germline): Pathogenic/Likely pathogenic. Review status: criteria provided, multiple submitters, no conflicts (2 of 4 stars). 3 submissions from 3 submitters: Pathogenic (1); Likely pathogenic (2). Last evaluated 2025-12-03.

Conditions:
Cardiovascular phenotype. Identifiers: MedGen CN230736.
Autosomal recessive limb-girdle muscular dystrophy type 2J (LGMDR10). Also called: Limb-girdle muscular dystrophy, type 2J; MUSCULAR DYSTROPHY, LIMB-GIRDLE, AUTOSOMAL RECESSIVE 10. Identifiers: Orphanet 140922, MedGen C1837342, MONDO:0012127, OMIM 608807.
Dilated cardiomyopathy 1G (CMD1G). Identifiers: Orphanet 154, MedGen C1858763, MONDO:0011400, OMIM 604145.
TTN-related myopathy. Identifiers: MedGen CN294812, MONDO:0100175.

Allele frequency attached by ClinVar (database versions not stated): TOPMed 0.00001.

Submissions (3):

Labcorp Genetics (formerly Invitae), Labcorp
Classification: Likely pathogenic for Dilated cardiomyopathy 1G; Autosomal recessive limb-girdle muscular dystrophy type 2J. Last evaluated: 2025-12-03. Review status: criteria provided, single submitter. Criteria: Invitae Variant Classification Sherloc (09022015). Collection method: clinical testing. Allele origin: germline.
Comment: This sequence change creates a premature translational stop signal (p.Tyr27241*) in the TTN gene. While this is not anticipated to result in nonsense mediated decay, it is expected to create a truncated TTN protein. This variant is not present in population databases (gnomAD no frequency). This variant has not been reported in the literature in individuals affected with TTN-related conditions. ClinVar contains an entry for this variant (Variation ID: 577790). This variant is located in the A band of TTN (PMID: 25589632). Truncating variants in this region are significantly overrepresented in patients affected with dilated cardiomyopathy (PMID: 25589632). Truncating variants in this region have also been reported in individuals affected with autosomal recessive centronuclear myopathy (PMID: 23975875). In summary, the currently available evidence indicates that the variant is pathogenic, but additional data are needed to prove that conclusively. Therefore, this variant has been classified as Likely Pathogenic.

Ambry Genetics
Classification: Likely pathogenic for Cardiovascular phenotype. Last evaluated: 2024-03-14. Review status: criteria provided, single submitter. Criteria: Ambry Variant Classification Scheme 2023. Collection method: clinical testing. Allele origin: germline.
Comment: The p.Y18176* variant (also known as c.54528T>A), located in coding exon 153 of the TTN gene, results from a T to A substitution at nucleotide position 54528. This changes the amino acid from a tyrosine to a stop codon within coding exon 153. This exon is located in the A-band region of the N2-B isoform of the titin protein and is constitutively expressed in TTN transcripts (percent spliced in or PSI 100%). This variant is considered to be rare based on population cohorts in the Genome Aggregation Database (gnomAD). This alteration is expected to result in loss of function by premature protein truncation or nonsense-mediated mRNA decay. While truncating variants in TTN are present in 1-3% of the general population, truncating variants in the A-band are the most common cause of dilated cardiomyopathy (DCM) (Herman DS et al. N. Engl. J. Med., 2012 Feb;366:619-28; Roberts AM et al. Sci Transl Med, 2015 Jan;7:270ra6). TTN truncating variants encoded in constitutive exons (PSI >90%) have been found to be significantly associated with DCM regardless of their position in titin (Schafer S et al. Nat. Genet., 2017 01;49:46-53). Based on the majority of available evidence to date, this variant is likely to be pathogenic.

Broad Center for Mendelian Genomics, Broad Institute of MIT and Harvard
Classification: Pathogenic for TTN-related myopathy. Last evaluated: 2023-01-25. Review status: criteria provided, single submitter. Criteria: ACMG Guidelines, 2015. Collection method: curation. Allele origin: germline. Inheritance: Autosomal recessive inheritance.
Comment: Trio exome analysis revealed that this variant was in trans with another pathogenic variant (ClinVar Variation ID: 987382). The p.Tyr27241Ter variant in TTN has not been previously reported in the literature in individuals with titin-related myopathy but has been identified in 0.0008% (2/264690) of chromosomes by TopMed Bravo. Although this variant has been seen in the general population in a heterozygous state, its frequency is low enough to be consistent with a recessive carrier frequency. This variant has also been reported in ClinVar (Variation ID:577790) and has been interpreted as likely pathogenic by Invitae. This nonsense variant leads to a premature termination codon at position 27241, which is predicted to lead to a truncated or absent protein. Loss of function of the TTN gene is an established mechanism of autosomal recessive titin-related myopathy. In summary, this variant meets criteria to be classified as pathogenic for autosomal recessive titin-related myopathy. ACMG/AMP Criteria applied: PVS1, PM2_Supporting, PM3 (Richards 2015).

Literature cited by the submitters: PubMed 25589632 (cited by Labcorp Genetics (formerly Invitae), Labcorp); PubMed 23975875 (cited by Labcorp Genetics (formerly Invitae), Labcorp).